The following is an entry in ClinVar:

ClinVar aggregate classification (germline): Uncertain significance (1 of 4 stars; one submission).

Conditions:
Charcot-Marie-Tooth disease type 4. Also called: Charcot-Marie-Tooth disease, type IV; Charcot-Marie-Tooth, Type 4. Identifiers: Orphanet 64749, MedGen C4082197, MONDO:0018995.

Allele frequency attached by ClinVar (database versions not stated): gnomAD exomes below 0.00001; gnomAD 0.00001; TOPMed 0.00002.
gnomAD v4.1: 4 of 1,613,574 alleles (0.00025%); highest among the groups gnomAD compares: African/African-American, 0.0013%; no homozygotes.

Submission:

Labcorp Genetics (formerly Invitae), Labcorp
Classification: Uncertain significance for Charcot-Marie-Tooth disease type 4. Last evaluated: 2019-05-14. Review status: criteria provided, single submitter. Criteria: Invitae Variant Classification Sherloc (09022015). Collection method: clinical testing. Allele origin: germline.
Comment: Algorithms developed to predict the effect of missense changes on protein structure and function (SIFT, PolyPhen-2, Align-GVGD) all suggest that this variant is likely to be disruptive, but these predictions have not been confirmed by published functional studies and their clinical significance is uncertain. In summary, the available evidence is currently insufficient to determine the role of this variant in disease. Therefore, it has been classified as a Variant of Uncertain Significance. This variant has not been reported in the literature in individuals with SBF2-related conditions. This variant is not present in population databases (ExAC no frequency). This sequence change replaces asparagine with serine at codon 616 of the SBF2 protein (p.Asn616Ser). The asparagine residue is highly conserved and there is a small physicochemical difference between asparagine and serine.

NM_030962.4(SBF2):c.1847A>G (p.Asn616Ser)

Gene: SBF2 (SET binding factor 2; minus strand). Cytogenetic location: 11p15.4.
Variant type: single nucleotide variant.
Coding change: c.1847A>G on transcript NM_030962.4 (MANE Select); coding-DNA position 1847, A replaced by G.
Protein change: p.Asn616Ser; replaces asparagine 616 with serine.
Molecular consequence: missense variant.
Genome position (GRCh38, 1-based): chr11:9,961,970, T>C on the plus strand (A>G on the coding strand, the complement: SBF2 is on the minus strand). VCF-style: chr11-9961970-T-C. GRCh37 (hg19) VCF-style: chr11-9983517-T-C.
Other names: c.1847A>G, p.Asn616Ser (NM_001386339.1); c.1718A>G, p.Asn573Ser (NM_001386342.1); short protein forms N616S, N573S.
Identifiers: ClinVar variation 936670 (VCV000936670.8), dbSNP rs1043801815, ClinGen allele CA217662290.